The following is an entry in ClinVar:

NM_025114.4(CEP290):c.2646TAG[1] (p.Ser883del)

Gene: CEP290 (centrosomal protein 290; minus strand). Cytogenetic location: 12q21.32.
Variant type: Microsatellite.
Coding change: c.2646TAG[1] on transcript NM_025114.4 (MANE Select); one copy of the 3-base unit TAG starting at c.2646; the reference has two copies in a row; one copy, 3 bases deleted.
Protein change: p.Ser883del; deletes serine 883.
Molecular consequence: inframe deletion.
Genome position (GRCh38, 1-based): chr12:88,106,841-88,106,843, CTA deleted on the plus strand (TAG on the coding strand, the reverse complement: CEP290 is on the minus strand); deleting any 3 consecutive bases within chr12:88,106,841-88,106,846 gives the same sequence; the position shown is the placement nearest the transcript's 3' end. VCF-style (leftmost placement, unchanged base first): chr12-88106840-CCTA-C. GRCh37 (hg19) VCF-style: chr12-88500617-CCTA-C.
Other names: short protein forms S883del.
Identifiers: ClinVar variation 2022480 (VCV002022480.4), dbSNP rs2500620944, ClinGen allele CA2580616835.

ClinVar aggregate classification (germline): Uncertain significance (1 of 4 stars; one submission).

Conditions:
Joubert syndrome. Also called: CEREBELLOPARENCHYMAL DISORDER IV; JOUBERT-BOLTSHAUSER SYNDROME; Familial aplasia of the vermis. Identifiers: Orphanet 475, MedGen C5979921, MONDO:0018772.
Meckel-Gruber syndrome. Also called: DYSENCEPHALIA SPLANCHNOCYSTICA; GRUBER SYNDROME; Dysencephalia splachnocystica. Identifiers: Orphanet 564, MedGen C0265215, MONDO:0018921.
Nephronophthisis. Also called: Juvenile Nephronophthisis. Identifiers: Orphanet 655, MedGen C0687120, MONDO:0019005, HP:0000090.

Submission:

Labcorp Genetics (formerly Invitae), Labcorp
Classification: Uncertain significance for Joubert syndrome; Meckel-Gruber syndrome; Nephronophthisis. Last evaluated: 2022-11-02. Review status: criteria provided, single submitter. Criteria: Invitae Variant Classification Sherloc (09022015). Collection method: clinical testing. Allele origin: germline.
Comment: This variant, c.2649_2651del, results in the deletion of 1 amino acid(s) of the CEP290 protein (p.Ser883del), but otherwise preserves the integrity of the reading frame. This variant is not present in population databases (gnomAD no frequency). This variant has been observed in individual(s) with CEP290-related conditions (Invitae). Experimental studies and prediction algorithms are not available or were not evaluated, and the functional significance of this variant is currently unknown. In summary, the available evidence is currently insufficient to determine the role of this variant in disease. Therefore, it has been classified as a Variant of Uncertain Significance.